The following is an entry in ClinVar:

ClinVar aggregate classification (germline): Uncertain significance (1 of 4 stars; one submission).

Conditions:
DICER1-related tumor predisposition. Also called: DICER1-related pleuropulmonary blastoma cancer predisposition syndrome; DICER1 syndrome. Identifiers: Orphanet 284343, MedGen C3839822, MONDO:0100216.

Submission:

Labcorp Genetics (formerly Invitae), Labcorp
Classification: Uncertain significance for DICER1-related tumor predisposition. Last evaluated: 2016-11-02. Review status: criteria provided, single submitter. Criteria: Invitae Variant Classification Sherloc (09022015). Collection method: clinical testing. Allele origin: germline.
Comment: This sequence change replaces lysine with methionine at codon 144 of the DICER1 protein (p.Lys144Met). The lysine residue is weakly conserved and there is a moderate physicochemical difference between lysine and methionine. In summary, this variant is a novel missense change with uncertain impact on protein function. It has been classified as a Variant of Uncertain Significance. Algorithms developed to predict the effect of missense changes on protein structure and function do not agree on the potential impact of this missense change (SIFT: "Tolerated"; PolyPhen-2: "Possibly Damaging"; Align-GVGD: "Class C0"). This variant is not present in population databases (ExAC no frequency) and has not been reported in the literature in individuals with a DICER1-related disease.

NM_177438.3(DICER1):c.431A>T (p.Lys144Met)

Gene: DICER1 (dicer 1, ribonuclease III; minus strand). Cytogenetic location: 14q32.13.
Variant type: single nucleotide variant.
Coding change: c.431A>T on transcript NM_177438.3 (MANE Select); coding-DNA position 431, A replaced by T.
Protein change: p.Lys144Met; replaces lysine 144 with methionine.
Molecular consequence: missense variant.
Genome position (GRCh38, 1-based): chr14:95,131,516, T>A on the plus strand (A>T on the coding strand, the complement: DICER1 is on the minus strand). VCF-style: chr14-95131516-T-A. GRCh37 (hg19) VCF-style: chr14-95597853-T-A.
Other names: c.431A>T, p.Lys144Met (NM_001195573.1, NM_001271282.3, NM_001291628.2 and 1 more transcripts); short protein forms K144M.
Identifiers: ClinVar variation 412124 (VCV000412124.10), dbSNP rs1060503629, ClinGen allele CA16614288.